The following is an entry in ClinVar:

ClinVar aggregate classification (germline): Uncertain significance. Review status: criteria provided, multiple submitters, no conflicts (2 of 4 stars). 2 submissions from 2 submitters: Uncertain significance (2). Last evaluated 2023-12-09.

Conditions:
Inborn genetic diseases. Identifiers: MedGen C0950123, MeSH D030342.
Charcot-Marie-Tooth disease type 4. Also called: Charcot-Marie-Tooth disease, type IV; Charcot-Marie-Tooth, Type 4. Identifiers: Orphanet 64749, MedGen C4082197, MONDO:0018995.

Allele frequency attached by ClinVar (database versions not stated): gnomAD exomes below 0.00001; gnomAD 0.00006; TOPMed 0.00009.
gnomAD v4.1: 16 of 1,613,592 alleles (0.00099%); highest among the groups gnomAD compares: Admixed American, 0.015%; no homozygotes.

Submissions (2):

Ambry Genetics
Classification: Uncertain significance for Inborn genetic diseases. Last evaluated: 2023-12-09. Review status: criteria provided, single submitter. Criteria: Ambry Variant Classification Scheme 2023. Collection method: clinical testing. Allele origin: germline.

Labcorp Genetics (formerly Invitae), Labcorp
Classification: Uncertain significance for Charcot-Marie-Tooth disease type 4. Last evaluated: 2022-07-29. Review status: criteria provided, single submitter. Criteria: Invitae Variant Classification Sherloc (09022015). Collection method: clinical testing. Allele origin: germline.
Comment: Algorithms developed to predict the effect of missense changes on protein structure and function (SIFT, PolyPhen-2, Align-GVGD) all suggest that this variant is likely to be tolerated. In summary, the available evidence is currently insufficient to determine the role of this variant in disease. Therefore, it has been classified as a Variant of Uncertain Significance. This variant has not been reported in the literature in individuals affected with SBF2-related conditions. This variant is present in population databases (no rsID available, gnomAD 0.006%). This sequence change replaces lysine, which is basic and polar, with glutamic acid, which is acidic and polar, at codon 981 of the SBF2 protein (p.Lys981Glu).

NM_030962.4(SBF2):c.2941A>G (p.Lys981Glu)

Genes: SBF2 (SET binding factor 2; minus strand), LOC101928008 (uncharacterized LOC101928008; plus strand). Cytogenetic location: 11p15.4.
Variant type: single nucleotide variant.
Coding change: c.2941A>G on transcript NM_030962.4 (MANE Select); coding-DNA position 2941, A replaced by G.
Protein change: p.Lys981Glu; replaces lysine 981 with glutamic acid.
Molecular consequence: missense variant.
Genome position (GRCh38, 1-based): chr11:9,845,734, T>C on the plus strand (A>G on the coding strand, the complement: SBF2 is on the minus strand). VCF-style: chr11-9845734-T-C. GRCh37 (hg19) VCF-style: chr11-9867281-T-C.
Other names: c.2941A>G, p.Lys981Glu (NM_001386339.1); c.2812A>G, p.Lys938Glu (NM_001386342.1); short protein forms K981E, K938E.
Identifiers: ClinVar variation 1797921 (VCV001797921.6), dbSNP rs1479115379, ClinGen allele CA379633355.